The following is an entry in ClinVar:

NM_024529.5(CDC73):c.1519G>T (p.Asp507Tyr)

Gene: CDC73 (cell division cycle 73; plus strand). Cytogenetic location: 1q31.2.
Variant type: single nucleotide variant.
Coding change: c.1519G>T on transcript NM_024529.5 (MANE Select); coding-DNA position 1519, G replaced by T.
Protein change: p.Asp507Tyr; replaces aspartic acid 507 with tyrosine.
Molecular consequence: missense variant.
Genome position (GRCh38, 1-based): chr1:193,249,831, G>T. VCF-style: chr1-193249831-G-T. GRCh37 (hg19) VCF-style: chr1-193218961-G-T.
Other names: c.1519G>T (NM_024529.4); short protein forms D507Y.
Identifiers: ClinVar variation 1014780 (VCV001014780.10), dbSNP rs1678017026, ClinGen allele CA344078568.

ClinVar aggregate classification (germline): Uncertain significance. Review status: criteria provided, multiple submitters, no conflicts (2 of 4 stars). 2 submissions from 2 submitters: Uncertain significance (2). Last evaluated 2025-05-02.

Conditions:
Hereditary cancer-predisposing syndrome. Also called: Hereditary Cancer Syndrome; Tumor predisposition; Neoplastic Syndromes, Hereditary; Hereditary neoplastic syndrome. Identifiers: Orphanet 140162, MedGen C0027672, MeSH D009386, MONDO:0015356.
Parathyroid carcinoma (PRTC). Also called: CDC73-Related Parathyroid Carcinoma; Parathyroid gland carcinoma. Identifiers: Orphanet 143, MedGen C0687150, MONDO:0012004, OMIM 608266, HP:0006780.

Submissions (2):

Ambry Genetics
Classification: Uncertain significance for Hereditary cancer-predisposing syndrome. Last evaluated: 2025-05-02. Review status: criteria provided, single submitter. Criteria: Ambry Variant Classification Scheme 2023. Collection method: clinical testing. Allele origin: germline.
Comment: The p.D507Y variant (also known as c.1519G>T), located in coding exon 16 of the CDC73 gene, results from a G to T substitution at nucleotide position 1519. The aspartic acid at codon 507 is replaced by tyrosine, an amino acid with highly dissimilar properties. This amino acid position is conserved. In addition, this alteration is predicted to be deleterious by in silico analysis. Based on the available evidence, the clinical significance of this variant remains unclear.

Labcorp Genetics (formerly Invitae), Labcorp
Classification: Uncertain significance for Parathyroid carcinoma. Last evaluated: 2020-07-27. Review status: criteria provided, single submitter. Criteria: Invitae Variant Classification Sherloc (09022015). Collection method: clinical testing. Allele origin: germline.
Comment: In summary, the available evidence is currently insufficient to determine the role of this variant in disease. Therefore, it has been classified as a Variant of Uncertain Significance. Algorithms developed to predict the effect of missense changes on protein structure and function are either unavailable or do not agree on the potential impact of this missense change (SIFT: "Deleterious"; PolyPhen-2: "Probably Damaging"; Align-GVGD: "Class C15"). This variant has not been reported in the literature in individuals with CDC73-related conditions. This variant is not present in population databases (ExAC no frequency). This sequence change replaces aspartic acid with tyrosine at codon 507 of the CDC73 protein (p.Asp507Tyr). The aspartic acid residue is highly conserved and there is a large physicochemical difference between aspartic acid and tyrosine.